The following is an entry in ClinVar:

NM_025137.4(SPG11):c.2581A>G (p.Thr861Ala)

Gene: SPG11 (SPG11 vesicle trafficking associated, spatacsin; minus strand). Cytogenetic location: 15q21.1.
Variant type: single nucleotide variant.
Coding change: c.2581A>G on transcript NM_025137.4 (MANE Select); coding-DNA position 2581, A replaced by G.
Protein change: p.Thr861Ala; replaces threonine 861 with alanine.
Molecular consequence: missense variant.
Genome position (GRCh38, 1-based): chr15:44,621,798, T>C on the plus strand (A>G on the coding strand, the complement: SPG11 is on the minus strand). VCF-style: chr15-44621798-T-C. GRCh37 (hg19) VCF-style: chr15-44913996-T-C.
Other names: c.2581A>G, p.Thr861Ala (NM_001160227.2); short protein forms T861A.
Identifiers: ClinVar variation 852324 (VCV000852324.7), dbSNP rs2083759221, ClinGen allele CA392231472.

ClinVar aggregate classification (germline): Uncertain significance (1 of 4 stars; one submission).

Conditions:
Hereditary spastic paraplegia 11. Also called: Nakamura Osame syndrome; Autosomal recessive hereditary spastic paraplegia, mental impairment, and thin corpus callosum; SPASTIC PARAPLEGIA, AUTOSOMAL RECESSIVE, COMPLICATED, WITH THIN CORPUS CALLOSUM; SPASTIC PARAPLEGIA, AUTOSOMAL RECESSIVE, WITH MENTAL IMPAIRMENT AND THIN CORPUS CALLOSUM; Spastic paraplegia, mental retardation and thin corpus callosum; Spastic Paraplegia 11. Identifiers: Orphanet 2822, MedGen C1858479, MONDO:0011445, OMIM 604360.

Allele frequency attached by ClinVar (database versions not stated): gnomAD exomes below 0.00001.
gnomAD v4.1: 1 of 1,614,034 alleles (0.000062%); highest among the groups gnomAD compares: East Asian, 0.0022%; no homozygotes.

Submission:

Labcorp Genetics (formerly Invitae), Labcorp
Classification: Uncertain significance for Hereditary spastic paraplegia 11. Last evaluated: 2021-08-27. Review status: criteria provided, single submitter. Criteria: Invitae Variant Classification Sherloc (09022015). Collection method: clinical testing. Allele origin: germline.
Comment: This sequence change replaces threonine with alanine at codon 861 of the SPG11 protein (p.Thr861Ala). The threonine residue is moderately conserved and there is a small physicochemical difference between threonine and alanine. This variant is not present in population databases (ExAC no frequency). This variant has not been reported in the literature in individuals affected with SPG11-related conditions. Algorithms developed to predict the effect of missense changes on protein structure and function are either unavailable or do not agree on the potential impact of this missense change (SIFT: "Tolerated"; PolyPhen-2: "Possibly Damaging"; Align-GVGD: "Class C0"). In summary, the available evidence is currently insufficient to determine the role of this variant in disease. Therefore, it has been classified as a Variant of Uncertain Significance.